The following is an entry in ClinVar:

NM_001267550.2(TTN):c.5719A>C (p.Thr1907Pro)

Gene: TTN (titin; minus strand). Cytogenetic location: 2q31.2.
Variant type: single nucleotide variant.
Coding change: c.5719A>C on transcript NM_001267550.2 (MANE Select); coding-DNA position 5719, A replaced by C.
Protein change: p.Thr1907Pro; replaces threonine 1907 with proline.
Molecular consequence: missense variant.
Genome position (GRCh38, 1-based): chr2:178,776,145, T>G on the plus strand (A>C on the coding strand, the complement: TTN is on the minus strand). VCF-style: chr2-178776145-T-G. GRCh37 (hg19) VCF-style: chr2-179640872-T-G.
Other names: c.5719A>C, p.Thr1907Pro (NM_001256850.1, NM_133378.4, NM_133379.5); c.5581A>C, p.Thr1861Pro (NM_003319.4, NM_133432.3, NM_133437.4); short protein forms T1861P, T1907P.
Identifiers: ClinVar variation 1702818 (VCV001702818.2), dbSNP rs2154346012, ClinGen allele CA349448413.

ClinVar aggregate classification (germline): Uncertain significance (1 of 4 stars; one submission).

Submission:

GeneDx
Classification: Uncertain significance. Last evaluated: 2022-08-19. Review status: criteria provided, single submitter. Criteria: GeneDx Variant Classification Process June 2021. Collection method: clinical testing. Allele origin: germline. Affected: yes.
Comment: Not observed at significant frequency in large population cohorts (gnomAD); Missense variant in a gene in which most reported pathogenic variants are truncating/loss-of-function; Has not been previously published as pathogenic or benign to our knowledge